The following is an entry in ClinVar:

ClinVar aggregate classification (germline): Uncertain significance (1 of 4 stars; one submission).

Conditions:
Norman-Roberts syndrome (LIS2). Also called: Lissencephaly 2 (Norman-Roberts type). Identifiers: Orphanet 89844, MedGen C0796089, MONDO:0009760, OMIM 257320.
Familial temporal lobe epilepsy 7. Identifiers: Orphanet 101046, MedGen C4225327, MONDO:0014639, OMIM 616436.

Allele frequency attached by ClinVar (database versions not stated): gnomAD exomes below 0.00001 and 0.00001; TOPMed below 0.00001; ExAC 0.00001.
gnomAD v4.1: 3 of 1,614,122 alleles (0.00019%); highest among the groups gnomAD compares: Non-Finnish European, 0.00025%; no homozygotes.

Submission:

Labcorp Genetics (formerly Invitae), Labcorp
Classification: Uncertain significance for Familial temporal lobe epilepsy 7; Norman-Roberts syndrome. Last evaluated: 2020-05-26. Review status: criteria provided, single submitter. Criteria: Invitae Variant Classification Sherloc (09022015). Collection method: clinical testing. Allele origin: germline.
Comment: In summary, the available evidence is currently insufficient to determine the role of this variant in disease. Therefore, it has been classified as a Variant of Uncertain Significance. Algorithms developed to predict the effect of missense changes on protein structure and function are either unavailable or do not agree on the potential impact of this missense change (SIFT: "Deleterious"; PolyPhen-2: "Possibly Damaging"; Align-GVGD: "Class C0"). This variant has not been reported in the literature in individuals with RELN-related conditions. This variant is present in population databases (rs758093276, ExAC 0.001%). This sequence change replaces isoleucine with threonine at codon 1389 of the RELN protein (p.Ile1389Thr). The isoleucine residue is highly conserved and there is a moderate physicochemical difference between isoleucine and threonine.

NM_005045.4(RELN):c.4166T>C (p.Ile1389Thr)

Gene: RELN (reelin; minus strand). Cytogenetic location: 7q22.1.
Variant type: single nucleotide variant.
Coding change: c.4166T>C on transcript NM_005045.4 (MANE Select); coding-DNA position 4166, T replaced by C.
Protein change: p.Ile1389Thr; replaces isoleucine 1389 with threonine.
Molecular consequence: missense variant.
Genome position (GRCh38, 1-based): chr7:103,575,685, A>G on the plus strand (T>C on the coding strand, the complement: RELN is on the minus strand). VCF-style: chr7-103575685-A-G. GRCh37 (hg19) VCF-style: chr7-103216132-A-G.
Other names: c.4166T>C, p.Ile1389Thr (NM_173054.3); short protein forms I1389T.
Identifiers: ClinVar variation 1056119 (VCV001056119.9), dbSNP rs758093276, ClinGen allele CA4421580.
Genomic context (GRCh38, chr7:103,575,685, plus strand): 5'-GATATGTACACTCCATCTAAACCAAATGGAGGCACGTTTTTCTGTGAGCTGCTCTCCTGG[A>G]TCCATCGGAATCTGGTCTTGCTGTTGGGAAAAACAACACACCTGTTTCTTGTACCAACAT-3'
Protein context (NP_005036.2, residues 1379-1399): LASSKTRFRW[Ile1389Thr]QESSSQKNVP